The following is an entry in ClinVar:

NM_000722.4(CACNA2D1):c.295-174A>T

Gene: CACNA2D1 (calcium voltage-gated channel auxiliary subunit alpha2delta 1; minus strand). Cytogenetic location: 7q21.11.
Variant type: single nucleotide variant.
Coding change: c.295-174A>T on transcript NM_000722.4 (MANE Select); 174 bases into the intron before coding-DNA position 295, A replaced by T.
Molecular consequence: intron variant.
Genome position (GRCh38, 1-based): chr7:82,170,783, T>A on the plus strand (A>T on the coding strand, the complement: CACNA2D1 is on the minus strand). VCF-style: chr7-82170783-T-A. GRCh37 (hg19) VCF-style: chr7-81800099-T-A.
Other names: c.295-174A>T (NM_001366867.1, NM_001302890.2).
Identifiers: ClinVar variation 674760 (VCV000674760.2), dbSNP rs73387974, ClinGen allele CA161618546.
Genomic context (GRCh38, chr7:82,170,783, plus strand): 5'-CCTTATTTATGATTCATAAATTCTAAATCATTTAGTAATCTAACCTACTAAAGTTGATGT[T>A]TGTATATTTACTCTTCAGCAATATAAATAATATACTATTCTTGAATACCATTAAGTTTGT-3'

ClinVar aggregate classification (germline): Benign. Review status: criteria provided, multiple submitters, no conflicts (2 of 4 stars). 2 submissions from 2 submitters: Benign (2). Last evaluated 2018-06-16.

Allele frequency attached by ClinVar (database versions not stated): 1000 Genomes Project 0.06090; 1000 Genomes Project 30x 0.06433; gnomAD 0.06445 and 0.06834; TOPMed 0.07106.
gnomAD v4.1: 9,788 of 152,088 alleles (6.4%); highest among the groups gnomAD compares: African/African-American, 17%; 661 homozygotes.

Submissions (2):

GeneDx
Classification: Benign. Last evaluated: 2018-06-16. Review status: criteria provided, single submitter. Criteria: GeneDx Variant Classification (06012015). Collection method: clinical testing. Allele origin: germline. Affected: yes.
Comment: This variant is considered likely benign or benign based on one or more of the following criteria: it is a conservative change, it occurs at a poorly conserved position in the protein, it is predicted to be benign by multiple in silico algorithms, and/or has population frequency not consistent with disease.

Breakthrough Genomics
Classification: Benign. Review status: criteria provided, single submitter. Criteria: ACMG Guidelines, 2015. Collection method: not provided. Allele origin: germline. Inheritance: Autosomal recessive inheritance. Affected: yes.